The following is an entry in ClinVar:

NM_000538.4(RFXAP):c.*719C>T

Gene: RFXAP (regulatory factor X associated protein; plus strand). Cytogenetic location: 13q13.3.
Variant type: single nucleotide variant.
Coding change: c.*719C>T on transcript NM_000538.4 (MANE Select); 719 bases downstream of the stop codon, C replaced by T.
Molecular consequence: 3 prime UTR variant.
Genome position (GRCh38, 1-based): chr13:36,828,472, C>T. VCF-style: chr13-36828472-C-T. GRCh37 (hg19) VCF-style: chr13-37402609-C-T.
Identifiers: ClinVar variation 882235 (VCV000882235.4), dbSNP rs115679698, ClinGen allele CA248184433.

ClinVar aggregate classification (germline): Benign (1 of 4 stars; one submission).

Conditions:
MHC class II deficiency. Also called: Bare lymphocyte syndrome 2; BLS, TYPE II. Identifiers: Orphanet 572, MedGen C5447452, MONDO:0008855.

Allele frequency attached by ClinVar (database versions not stated): 1000 Genomes Project 0.00839; 1000 Genomes Project 30x 0.00890; gnomAD 0.00891 and 0.00957; TOPMed 0.00959.

Submission:

Illumina Laboratory Services, Illumina
Classification: Benign for MHC class II deficiency 1. Last evaluated: 2018-01-13. Review status: criteria provided, single submitter. Criteria: ICSL Variant Classification Criteria 13 December 2019. Collection method: clinical testing. Allele origin: germline.
Comment: This variant was observed in the ICSL laboratory as part of a predisposition screen in an ostensibly healthy population. It had not been previously curated by ICSL or reported in the Human Gene Mutation Database (HGMD: prior to June 1st, 2018), and was therefore a candidate for classification through an automated scoring system. Utilizing variant allele frequency, disease prevalence and penetrance estimates, and inheritance mode, an automated score was calculated to assess if this variant is too frequent to cause the disease. Based on the score and internal cut-off values, a variant classified as benign is not then subjected to further curation. The score for this variant resulted in a classification of benign for this disease.